The following is an entry in ClinVar:

NM_000245.4(MET):c.3935+5G>A

Gene: MET (MET proto-oncogene, receptor tyrosine kinase; plus strand). Cytogenetic location: 7q31.2.
Variant type: single nucleotide variant.
Coding change: c.3935+5G>A on transcript NM_000245.4 (MANE Select); 5 bases into the intron after coding-DNA position 3935, G replaced by A.
Molecular consequence: intron variant.
Genome position (GRCh38, 1-based): chr7:116,795,796, G>A. VCF-style: chr7-116795796-G-A. GRCh37 (hg19) VCF-style: chr7-116435850-G-A.
Other names: c.3989+5G>A (NM_001127500.1, NM_001127500.3); c.2645+5G>A (NM_001324402.2).
Identifiers: ClinVar variation 2132013 (VCV002132013.5), dbSNP rs1795650693, ClinGen allele CA1737029617.

ClinVar aggregate classification (germline): Uncertain significance. Review status: criteria provided, multiple submitters, no conflicts (2 of 4 stars). 2 submissions from 2 submitters: Uncertain significance (2). Last evaluated 2024-08-30.

Conditions:
Hereditary cancer-predisposing syndrome. Also called: Hereditary neoplastic syndrome; Hereditary Cancer Syndrome; Tumor predisposition; Neoplastic Syndromes, Hereditary. Identifiers: Orphanet 140162, MedGen C0027672, MeSH D009386, MONDO:0015356.
Renal cell carcinoma. Identifiers: Orphanet 217071, MedGen C0007134, MeSH D002292, MONDO:0005086, HP:0005584.

Allele frequency attached by ClinVar (database versions not stated): gnomAD exomes below 0.00001; TOPMed below 0.00001.
gnomAD v4.1: 1 of 1,614,186 alleles (0.000062%); highest among the groups gnomAD compares: Non-Finnish European, 0.000085%; no homozygotes.

Submissions (2):

Ambry Genetics
Classification: Uncertain significance for Hereditary cancer-predisposing syndrome. Last evaluated: 2024-08-30. Review status: criteria provided, single submitter. Criteria: Ambry Variant Classification Scheme 2023. Collection method: clinical testing. Allele origin: germline.
Comment: The c.3989+5G>A intronic variant results from a G to A substitution 5 nucleotides after coding exon 19 in the MET gene. This nucleotide position is highly conserved in available vertebrate species. In silico splice site analysis predicts that this alteration will weaken the native splice donor site. Based on the available evidence, the clinical significance of this variant remains unclear.

Labcorp Genetics (formerly Invitae), Labcorp
Classification: Uncertain significance for Renal cell carcinoma. Last evaluated: 2023-06-27. Review status: criteria provided, single submitter. Criteria: Invitae Variant Classification Sherloc (09022015). Collection method: clinical testing. Allele origin: germline.
Comment: ClinVar contains an entry for this variant (Variation ID: 2132013). This variant has not been reported in the literature in individuals affected with MET-related conditions. This variant is not present in population databases (gnomAD no frequency). This sequence change falls in intron 20 of the MET gene. It does not directly change the encoded amino acid sequence of the MET protein. It affects a nucleotide within the consensus splice site. Variants that disrupt the consensus splice site are a relatively common cause of aberrant splicing (PMID: 17576681, 9536098). Algorithms developed to predict the effect of sequence changes on RNA splicing suggest that this variant may disrupt the consensus splice site. In summary, the available evidence is currently insufficient to determine the role of this variant in disease. Therefore, it has been classified as a Variant of Uncertain Significance.

Literature cited by the submitters: PubMed 17576681 (cited by Labcorp Genetics (formerly Invitae), Labcorp); PubMed 9536098 (cited by Labcorp Genetics (formerly Invitae), Labcorp).